The following is an entry in ClinVar:

NM_001378204.1(CCDC18):c.1329A>C (p.Glu443Asp)

Gene: CCDC18 (coiled-coil domain containing 18; plus strand). Cytogenetic location: 1p22.1.
Variant type: single nucleotide variant.
Coding change: c.1329A>C on transcript NM_001378204.1 (MANE Select); coding-DNA position 1329, A replaced by C.
Protein change: p.Glu443Asp; replaces glutamic acid 443 with aspartic acid.
Molecular consequence: missense variant.
Genome position (GRCh38, 1-based): chr1:93,210,921, A>C. VCF-style: chr1-93210921-A-C. GRCh37 (hg19) VCF-style: chr1-93676478-A-C.
Other names: c.1329A>C, p.Glu443Asp (NM_001306076.1, NM_206886.4); short protein forms E443D.
Identifiers: ClinVar variation 3056211 (VCV003056211.2), dbSNP rs76148185, ClinGen allele CA953996.
Genomic context (GRCh38, chr1:93,210,921, plus strand): 5'-CTCAAACAAGGAAGACCGTTGCATTGGCTGCTGTGAGGCAAATAAATTGGTGATTTCGGA[A>C]TTGAGGTACAATTTTCAGATTCTGCAGTTATAGCAAATAGAATGTTTTTTATTGGTAATT-3'
Protein context (NP_001365133.1, residues 433-453): CCEANKLVIS[Glu443Asp]LRIKLAIKEA

ClinVar aggregate classification (germline): Benign (0 of 4 stars; one submission).

Conditions:
CCDC18-related disorder. Also called: CCDC18-related condition.

Allele frequency attached by ClinVar (database versions not stated): 1000 Genomes Project 0.00938; 1000 Genomes Project 30x 0.01077; TOPMed 0.01817; ExAC 0.01890; gnomAD 0.01970; ESP Exome Variant Server 0.02035; gnomAD exomes 0.02702.
gnomAD v4.1: 42,148 of 1,613,338 alleles (2.6%); highest among the groups gnomAD compares: Non-Finnish European, 3.2%; 681 homozygotes.

Submission:

PreventionGenetics, part of Exact Sciences
Classification: Benign for CCDC18-related condition. Last evaluated: 2019-02-27. Review status: no assertion criteria provided. Collection method: clinical testing. Allele origin: germline.
Comment: This variant is classified as benign based on ACMG/AMP sequence variant interpretation guidelines (Richards et al. 2015 PMID: 25741868, with internal and published modifications).